The following is an entry in ClinVar:

NM_000274.4(OAT):c.1286T>C (p.Ile429Thr)

Gene: OAT (ornithine aminotransferase; minus strand). Cytogenetic location: 10q26.13.
Variant type: single nucleotide variant.
Coding change: c.1286T>C on transcript NM_000274.4 (MANE Select); coding-DNA position 1286, T replaced by C.
Protein change: p.Ile429Thr; replaces isoleucine 429 with threonine.
Molecular consequence: missense variant.
Genome position (GRCh38, 1-based): chr10:124,397,976, A>G on the plus strand (T>C on the coding strand, the complement: OAT is on the minus strand). VCF-style: chr10-124397976-A-G. GRCh37 (hg19) VCF-style: chr10-126086545-A-G.
Other names: c.872T>C, p.Ile291Thr (NM_001171814.2); c.1286T>C, p.Ile429Thr (NM_001322965.2, NM_001322966.2, NM_001322967.2 and 3 more transcripts); c.965T>C, p.Ile322Thr (NM_001322971.2); c.686T>C, p.Ile229Thr (NM_001322974.2); c.1286T>C (NM_000274.3); short protein forms I229T, I291T, I322T, I429T.
Identifiers: ClinVar variation 1004427 (VCV001004427.6), dbSNP rs774831749, ClinGen allele CA5733277.

ClinVar aggregate classification (germline): Uncertain significance. Review status: criteria provided, multiple submitters, no conflicts (2 of 4 stars). 3 submissions from 3 submitters: Uncertain significance (2). 1 of the submissions does not count toward it. Last evaluated 2023-10-25.

Conditions:
Ornithine aminotransferase deficiency (GACR). Also called: Ornithine ketoacid aminotransferase deficiency; Gyrate atrophy; Gyrate atrophy of choroid and retina; Girate atrophy of the retina; HYPERORNITHINEMIA WITH GYRATE ATROPHY OF CHOROID AND RETINA; OAT DEFICIENCY. Identifiers: Orphanet 414, MedGen C0018425, MONDO:0009796, OMIM 258870.
Inborn genetic diseases. Identifiers: MedGen C0950123, MeSH D030342.

Allele frequency attached by ClinVar (database versions not stated): TOPMed 0.00001; gnomAD 0.00001; gnomAD exomes 0.00001; ExAC 0.00002.
gnomAD v4.1: 9 of 1,613,798 alleles (0.00056%); highest among the groups gnomAD compares: Admixed American, 0.005%; no homozygotes.

Submissions (3):

Ambry Genetics
Classification: Uncertain significance for Inborn genetic diseases. Last evaluated: 2023-10-25. Review status: criteria provided, single submitter. Criteria: Ambry Variant Classification Scheme 2023. Collection method: clinical testing. Allele origin: germline.

Labcorp Genetics (formerly Invitae), Labcorp
Classification: Uncertain significance for Ornithine aminotransferase deficiency. Last evaluated: 2022-02-03. Review status: criteria provided, single submitter. Criteria: Invitae Variant Classification Sherloc (09022015). Collection method: clinical testing. Allele origin: germline.
Comment: This sequence change replaces isoleucine, which is neutral and non-polar, with threonine, which is neutral and polar, at codon 429 of the OAT protein (p.Ile429Thr). This variant is present in population databases (rs774831749, gnomAD 0.003%). This variant has not been reported in the literature in individuals affected with OAT-related conditions. ClinVar contains an entry for this variant (Variation ID: 1004427). Algorithms developed to predict the effect of missense changes on protein structure and function (SIFT, PolyPhen-2, Align-GVGD) all suggest that this variant is likely to be tolerated. In summary, the available evidence is currently insufficient to determine the role of this variant in disease. Therefore, it has been classified as a Variant of Uncertain Significance.

Natera, Inc.
Classification: Uncertain significance for Gyrate atrophy. Last evaluated: 2021-06-09. Review status: no assertion criteria provided. Collection method: clinical testing. Allele origin: germline. Not counted in ClinVar's aggregate classification.